The following is an entry in ClinVar:

NM_015041.3(CLUAP1):c.35T>A (p.Met12Lys)

Gene: CLUAP1 (clusterin associated protein 1; plus strand). Cytogenetic location: 16p13.3.
Variant type: single nucleotide variant.
Coding change: c.35T>A on transcript NM_015041.3 (MANE Select); coding-DNA position 35, T replaced by A.
Protein change: p.Met12Lys; replaces methionine 12 with lysine.
Molecular consequence: missense variant.
Genome position (GRCh38, 1-based): chr16:3,504,732, T>A. VCF-style: chr16-3504732-T-A. GRCh37 (hg19) VCF-style: chr16-3554732-T-A.
Other names: c.35T>A, p.Met12Lys (NM_001330454.2); short protein forms M12K.
Identifiers: ClinVar variation 3671538 (VCV003671538.2).

ClinVar aggregate classification (germline): Uncertain significance (1 of 4 stars; one submission).

Submission:

Labcorp Genetics (formerly Invitae), Labcorp
Classification: Uncertain significance. Last evaluated: 2024-09-23. Review status: criteria provided, single submitter. Criteria: Invitae Variant Classification Sherloc (09022015). Collection method: clinical testing. Allele origin: germline.
Comment: This sequence change replaces methionine, which is neutral and non-polar, with lysine, which is basic and polar, at codon 12 of the CLUAP1 protein (p.Met12Lys). This variant is not present in population databases (gnomAD no frequency). This variant has not been reported in the literature in individuals affected with CLUAP1-related conditions. Invitae Evidence Modeling of protein sequence and biophysical properties (such as structural, functional, and spatial information, amino acid conservation, physicochemical variation, residue mobility, and thermodynamic stability) indicates that this missense variant is not expected to disrupt CLUAP1 protein function with a negative predictive value of 80%. In summary, the available evidence is currently insufficient to determine the role of this variant in disease. Therefore, it has been classified as a Variant of Uncertain Significance.